The following is an entry in ClinVar:

ClinVar aggregate classification (germline): Uncertain significance (1 of 4 stars; one submission).

Submission:

Labcorp Genetics (formerly Invitae), Labcorp
Classification: Uncertain significance. Last evaluated: 2022-09-29. Review status: criteria provided, single submitter. Criteria: Invitae Variant Classification Sherloc (09022015). Collection method: clinical testing. Allele origin: germline.
Comment: This sequence change replaces methionine, which is neutral and non-polar, with arginine, which is basic and polar, at codon 2 of the SMARCB1 protein (p.Met2Arg). This variant is not present in population databases (gnomAD no frequency). This variant has not been reported in the literature in individuals affected with SMARCB1-related conditions. Algorithms developed to predict the effect of missense changes on protein structure and function (SIFT, PolyPhen-2, Align-GVGD) all suggest that this variant is likely to be tolerated. In summary, the available evidence is currently insufficient to determine the role of this variant in disease. Therefore, it has been classified as a Variant of Uncertain Significance.

NM_003073.5(SMARCB1):c.5T>G (p.Met2Arg)

Gene: SMARCB1 (SWI/SNF related BAF chromatin remodeling complex subunit B1; plus strand). Cytogenetic location: 22q11.23.
Variant type: single nucleotide variant.
Coding change: c.5T>G on transcript NM_003073.5 (MANE Select); coding-DNA position 5, T replaced by G.
Protein change: p.Met2Arg; replaces methionine 2 with arginine.
Molecular consequence: missense variant.
Genome position (GRCh38, 1-based): chr22:23,787,174, T>G. VCF-style: chr22-23787174-T-G. GRCh37 (hg19) VCF-style: chr22-24129361-T-G.
Other names: c.5T>G, p.Met2Arg (NM_001007468.3, NM_001317946.2, NM_001362877.2); short protein forms M2R.
Identifiers: ClinVar variation 1720691 (VCV001720691.5), dbSNP rs2517652396, ClinGen allele CA410930362.